The following is an entry in ClinVar:

ClinVar aggregate classification (germline): Conflicting classifications of pathogenicity. Review status: criteria provided, conflicting classifications (1 of 4 stars). 9 submissions from 9 submitters: Uncertain significance (8); Likely benign (1). Last evaluated 2026-05-08.

Conditions:
POLE-related polyposis and colorectal cancer syndrome. Identifiers: MedGen CN324030, MONDO:0100287.
POLE-related disorder. Also called: POLE-related disorders; POLE-related condition.
Hereditary cancer-predisposing syndrome. Also called: Neoplastic Syndromes, Hereditary; Tumor predisposition; Hereditary Cancer Syndrome; Hereditary neoplastic syndrome. Identifiers: Orphanet 140162, MedGen C0027672, MeSH D009386, MONDO:0015356.
Colorectal cancer, susceptibility to, 12 (CRCS12). Also called: COLORECTAL CANCER, SUSCEPTIBILITY TO, ON CHROMOSOME 12q24. Identifiers: Orphanet 220460, MedGen C3554460, MONDO:0014038, OMIM 615083.
Familial colorectal cancer. Identifiers: MedGen CN280943, MONDO:0023113. Disease mechanism: loss of function.

Allele frequency attached by ClinVar (database versions not stated): gnomAD exomes 0.00001 and 0.00003; gnomAD 0.00002 and 0.00004; TOPMed 0.00002; ExAC 0.00006.
gnomAD v4.1: 27 of 1,614,104 alleles (0.0017%); highest among the groups gnomAD compares: East Asian, 0.013%; no homozygotes.

Submissions (9):

PreventionGenetics, part of Exact Sciences
Classification: Uncertain significance for POLE-related condition. Last evaluated: 2026-05-08. Review status: criteria provided, single submitter. Criteria: ACMG Guidelines, 2015. Collection method: clinical testing. Allele origin: germline.
Comment: The POLE c.2209A>G variant is predicted to result in the amino acid substitution p.Thr737Ala. This variant has been reported with uncertain significance in individuals with breast cancer (Supplemental Table 3, Guindalini et al. 2022. PubMed ID: 35264596) or pancreatic cancer (Supplementary Table 1, Fujitani et al. 2023. PubMed ID: 36896836). This variant is reported in 0.0054% of alleles in individuals of East Asian descent in gnomAD and is interpreted as uncertain in ClinVar (Variation ID: 405791). At this time, the clinical significance of this variant is uncertain due to the absence of conclusive functional and genetic evidence.

Center for Genomic Medicine, Rigshospitalet, Copenhagen University Hospital
Classification: Uncertain significance. Last evaluated: 2025-12-29. Review status: criteria provided, single submitter. Criteria: ACMG Guidelines, 2015. Collection method: clinical testing. Allele origin: germline.
Comment: Classification criteria: BS1

Labcorp Genetics (formerly Invitae), Labcorp
Classification: Uncertain significance. Last evaluated: 2025-12-23. Review status: criteria provided, single submitter. Criteria: Invitae Variant Classification Sherloc (09022015). Collection method: clinical testing. Allele origin: germline.
Comment: This sequence change replaces threonine, which is neutral and polar, with alanine, which is neutral and non-polar, at codon 737 of the POLE protein (p.Thr737Ala). This variant is present in population databases (rs779102091, gnomAD 0.005%). This missense change has been observed in individual(s) with breast cancer and/or pancreatic cancer (PMID: 35264596, 36896836). ClinVar contains an entry for this variant (Variation ID: 405791). Invitae Evidence Modeling of protein sequence and biophysical properties (such as structural, functional, and spatial information, amino acid conservation, physicochemical variation, residue mobility, and thermodynamic stability) has been performed for this missense variant. However, the output from this modeling did not meet the statistical confidence thresholds required to predict the impact of this variant on POLE protein function. In summary, the available evidence is currently insufficient to determine the role of this variant in disease. Therefore, it has been classified as a Variant of Uncertain Significance.

St. Jude Molecular Pathology, St. Jude Children's Research Hospital
Classification: Uncertain significance for Colorectal cancer, susceptibility to, 12. Last evaluated: 2025-06-17. Review status: criteria provided, single submitter. Criteria: St. Jude Assertion Criteria 2020. Collection method: clinical testing. Allele origin: germline.
Comment: The POLE c.2209A>G p.(Thr737Ala) missense change has a maximum subpopulation frequency of 0.005% in gnomAD v2.1.1. The in silico tool REVEL is inconclusive about a pathogenic or benign effect of this variant on protein function, and to our knowledge functional studies have not been performed. To our knowledge, this variant has not been reported in the literature in individuals with POLE-related disease. In summary, the evidence currently available is insufficient to determine the clinical significance of this variant. It has therefore been classified as of uncertain significance.

Women's Health and Genetics/Laboratory Corporation of America, LabCorp
Classification: Uncertain significance. Last evaluated: 2025-03-24. Review status: criteria provided, single submitter. Criteria: LabCorp Variant Classification Summary - May 2015. Collection method: clinical testing. Allele origin: germline.
Comment: Variant summary: POLE c.2209A>G (p.Thr737Ala) results in a non-conservative amino acid change in the encoded protein sequence. Three of five in-silico tools predict a damaging effect of the variant on protein function. The variant allele was found at a frequency of 2.8e-05 in 251486 control chromosomes. The available data on variant occurrences in the general population are insufficient to allow any conclusion about variant significance. c.2209A>G has been reported in the literature in two individuals affected with pancreatic cancer and breast cancer(Fujitani_2023, Guindalini_PMS2_2022), without strong evidence for causality. These report(s) do not provide unequivocal conclusions about association of the variant with Facial Dysmorphism, Immunodeficiency, Livedo, And Short Stature. To our knowledge, no experimental evidence demonstrating an impact on protein function has been reported. The following publications have been ascertained in the context of this evaluation (PMID: 36896836, 35264596). ClinVar contains an entry for this variant (Variation ID: 405791). Based on the evidence outlined above, the variant was classified as uncertain significance.

Blueprint Genetics
Classification: Likely benign. Last evaluated: 2024-11-26. Review status: criteria provided, single submitter. Criteria: ACMG Guidelines, 2015. Collection method: clinical testing. Allele origin: germline.

Ambry Genetics
Classification: Uncertain significance for Hereditary cancer-predisposing syndrome. Last evaluated: 2024-10-17. Review status: criteria provided, single submitter. Criteria: Ambry Variant Classification Scheme 2023. Collection method: clinical testing. Allele origin: germline.
Comment: The p.T737A variant (also known as c.2209A>G), located in coding exon 20 of the POLE gene, results from an A to G substitution at nucleotide position 2209. The threonine at codon 737 is replaced by alanine, an amino acid with similar properties. This amino acid position is highly conserved in available vertebrate species. In addition, the in silico prediction for this alteration is inconclusive. Based on the available evidence, the clinical significance of this variant remains unclear.

GeneDx
Classification: Uncertain significance. Last evaluated: 2023-04-22. Review status: criteria provided, single submitter. Criteria: GeneDx Variant Classification Process June 2021. Collection method: clinical testing. Allele origin: germline. Affected: yes.
Comment: Identified as a germline variant in a patient with breast cancer (Guindalini et al., 2022); In silico analysis supports that this missense variant has a deleterious effect on protein structure/function; This variant is associated with the following publications: (PMID: 35264596)

Mendelics
Classification: Uncertain significance for Familial colorectal cancer. Last evaluated: 2018-07-02. Review status: criteria provided, single submitter. Criteria: Mendelics Assertion Criteria 2017. Collection method: clinical testing. Allele origin: unknown.

Literature cited by the submitters: PubMed 35264596 (cited by Labcorp Genetics (formerly Invitae), Labcorp and Women's Health and Genetics/Laboratory Corporation of America, LabCorp); PubMed 36896836 (cited by Labcorp Genetics (formerly Invitae), Labcorp and Women's Health and Genetics/Laboratory Corporation of America, LabCorp).

NM_006231.4(POLE):c.2209A>G (p.Thr737Ala)

Gene: POLE (DNA polymerase epsilon, catalytic subunit; minus strand). Cytogenetic location: 12q24.33.
Variant type: single nucleotide variant.
Coding change: c.2209A>G on transcript NM_006231.4 (MANE Select); coding-DNA position 2209, A replaced by G.
Protein change: p.Thr737Ala; replaces threonine 737 with alanine.
Molecular consequence: missense variant.
Genome position (GRCh38, 1-based): chr12:132,667,613, T>C on the plus strand (A>G on the coding strand, the complement: POLE is on the minus strand). VCF-style: chr12-132667613-T-C. GRCh37 (hg19) VCF-style: chr12-133244199-T-C.
Other names: c.2209A>G (NM_006231.2); short protein forms T737A.
Identifiers: ClinVar variation 405791 (VCV000405791.29), dbSNP rs779102091, ClinGen allele CA6893628.
Genomic context (GRCh38, chr12:132,667,613, plus strand): 5'-TGTCCACGTAGAAGGAGTTTTCCCGCTGGCAGATGGTGGTGAGACGCTCTTCCACCTTGG[T>C]GATGTGGATCTTCTTGTAGGCTTTCCGGCAGTAATCTAAGCACGACGGAGATGGGCAGAG-3'
Protein context (NP_006222.2, residues 727-747): CRKAYKKIHI[Thr737Ala]KVEERLTTIC